The following is an entry in ClinVar:

ClinVar aggregate classification (germline): Uncertain significance. Review status: criteria provided, multiple submitters, no conflicts (2 of 4 stars). 2 submissions from 2 submitters: Uncertain significance (2). Last evaluated 2025-06-23.

Conditions:
Malignant hyperthermia, susceptibility to, 1 (MHS1). Also called: Anesthesia related hyperthermia; Malignant hyperpyrexia; Fulminating hyperpyrexia; Pharmacogenic myopathy; RYR1-Related Malignant Hyperthermia Susceptibility; Malignant hyperthermia suceptibility 1. Identifiers: Orphanet 423, MedGen C2930980, MONDO:0007783, OMIM 145600.

Allele frequency attached by ClinVar (database versions not stated): gnomAD exomes below 0.00001; TOPMed below 0.00001; gnomAD 0.00001; ESP Exome Variant Server 0.00008.
gnomAD v4.1: 7 of 1,613,626 alleles (0.00043%); highest among the groups gnomAD compares: Non-Finnish European, 0.00051%; no homozygotes.

Submissions (2):

Color Diagnostics, LLC DBA Color Health
Classification: Uncertain significance for Malignant hyperthermia, susceptibility to, 1. Last evaluated: 2025-06-23. Review status: criteria provided, single submitter. Criteria: ACMG Guidelines, 2015. Collection method: clinical testing. Allele origin: germline.
Comment: This missense variant replaces glycine with serine at codon 1761 of the RYR1 protein. Computational prediction suggests that this variant may not impact protein structure and function. To our knowledge, functional studies have not been reported for this variant. This variant has not been reported in individuals affected with RYR1-related disorders in the literature. This variant has not been identified in the general population by the Genome Aggregation Database (gnomAD). The available evidence is insufficient to determine the role of this variant in disease conclusively. Therefore, this variant is classified as a Variant of Uncertain Significance.

All of Us Research Program, National Institutes of Health
Classification: Uncertain significance for Malignant hyperthermia, susceptibility to, 1. Last evaluated: 2023-05-08. Review status: criteria provided, single submitter. Criteria: ACMG Guidelines, 2015. Collection method: clinical testing. Allele origin: germline. Inheritance: Autosomal dominant inheritance. Observed: 1 variant allele, 1 heterozygote.
Comment: This study involves interpretation of variants in research participants for the purpose of population health screening. Participant phenotype was not available at the time of variant classification. Additional details can be found in publication PMID: 35346344, PMCID: PMC8962531

NM_000540.3(RYR1):c.5281G>A (p.Gly1761Ser)

Gene: RYR1 (ryanodine receptor 1; plus strand). Cytogenetic location: 19q13.2.
Variant type: single nucleotide variant.
Coding change: c.5281G>A on transcript NM_000540.3 (MANE Select); coding-DNA position 5281, G replaced by A.
Protein change: p.Gly1761Ser; replaces glycine 1761 with serine.
Molecular consequence: missense variant.
Genome position (GRCh38, 1-based): chr19:38,485,936, G>A. VCF-style: chr19-38485936-G-A. GRCh37 (hg19) VCF-style: chr19-38976576-G-A.
Other names: c.5281G>A, p.Gly1761Ser (NM_001042723.2); short protein forms G1761S.
Identifiers: ClinVar variation 3070941 (VCV003070941.2), dbSNP rs374471752, ClinGen allele CA308093518.